The following is an entry in ClinVar:

NM_000455.5(STK11):c.464+20del

Gene: STK11 (serine/threonine kinase 11; plus strand). Cytogenetic location: 19p13.3.
Variant type: Deletion.
Coding change: c.464+20del on transcript NM_000455.5 (MANE Select); 20 bases into the intron after coding-DNA position 464, one base deleted (G; older notation c.464+20delG).
Molecular consequence: intron variant.
Genome position (GRCh38, 1-based): chr19:1,219,433, G deleted; the last of 4 consecutive G bases (chr19:1,219,430-1,219,433); deleting any one gives the same sequence. VCF-style (leftmost placement, unchanged base first): chr19-1219429-AG-A. GRCh37 (hg19) VCF-style: chr19-1219428-AG-A.
Other names: c.464+20delG (NM_000455.4).
Identifiers: ClinVar variation 182879 (VCV000182879.15), dbSNP rs730881960, ClinGen allele CA023008.

ClinVar aggregate classification (germline): Benign/Likely benign. Review status: criteria provided, multiple submitters, no conflicts (2 of 4 stars). 6 submissions from 6 submitters: Benign (4); Likely benign (1). 1 of the submissions does not count toward it. Last evaluated 2026-01-26.

Conditions:
Hereditary cancer-predisposing syndrome. Also called: Tumor predisposition; Hereditary Cancer Syndrome; Hereditary neoplastic syndrome; Neoplastic Syndromes, Hereditary. Identifiers: Orphanet 140162, MedGen C0027672, MeSH D009386, MONDO:0015356.
Peutz-Jeghers syndrome (PJS). Also called: POLYPOSIS, HAMARTOMATOUS INTESTINAL; POLYPS-AND-SPOTS SYNDROME; Peutz-Jeghers polyposis; Periorificial lentiginosis syndrome. Identifiers: Orphanet 2869, MedGen C0031269, MeSH D010580, MONDO:0008280, OMIM 175200.

Submissions (6):

Labcorp Genetics (formerly Invitae), Labcorp
Classification: Benign for Peutz-Jeghers syndrome. Last evaluated: 2026-01-26. Review status: criteria provided, single submitter. Criteria: Invitae Variant Classification Sherloc (09022015). Collection method: clinical testing. Allele origin: germline.

Genome-Nilou Lab
Classification: Likely benign for Peutz-Jeghers syndrome. Last evaluated: 2021-07-15. Review status: criteria provided, single submitter. Criteria: ACMG Guidelines, 2015. Collection method: clinical testing. Allele origin: germline. Affected: no.

PreventionGenetics, part of Exact Sciences
Classification: Benign. Last evaluated: 2017-12-20. Review status: criteria provided, single submitter. Criteria: ACMG Guidelines, 2015. Collection method: clinical testing. Allele origin: germline.

Color Diagnostics, LLC DBA Color Health
Classification: Benign for Hereditary cancer-predisposing syndrome. Last evaluated: 2016-08-31. Review status: criteria provided, single submitter. Criteria: ACMG Guidelines, 2015. Collection method: clinical testing. Allele origin: germline.

GeneDx
Classification: Benign for Neoplastic Syndromes, Hereditary. Last evaluated: 2014-08-21. Review status: criteria provided, single submitter. Criteria: GeneDx Variant Classification (06012015). Collection method: clinical testing. Allele origin: germline. Affected: yes.
Comment: The variant is found in HEREDICANCER,BR-OV-HEREDIC panel(s).

Counsyl
Classification: Likely benign for Peutz-Jeghers syndrome. Last evaluated: 2016-09-06. Review status: no assertion criteria provided. Collection method: clinical testing. Allele origin: unknown. Not counted in ClinVar's aggregate classification.